The following is an entry in ClinVar:

ClinVar aggregate classification (germline): Benign. Review status: criteria provided, single submitter (1 of 4 stars). 2 submissions from 2 submitters: Benign (1). 1 of the submissions does not count toward it. Last evaluated 2024-10-30.

Conditions:
Prostate cancer, hereditary, 1 (HPC1). Identifiers: Orphanet 1331, MedGen C4722327, MONDO:0011098, OMIM 601518.
Prostate cancer, hereditary, 9 (HPC9). Identifiers: Orphanet 1331, MedGen C1970250, MONDO:0012597, OMIM 610997.

Submissions (2):

Myriad Genetics, Inc.
Classification: Benign for Prostate cancer, hereditary, 9. Last evaluated: 2024-10-30. Review status: criteria provided, single submitter. Criteria: Myriad Autosomal Dominant, Autosomal Recessive and X-Linked Classification Criteria (2023). Collection method: clinical testing. Allele origin: unknown.
Comment: This variant is considered benign. This variant is a silent/synonymous amino acid change and it is not expected to impact splicing.

Laboratory of Virology, Microbiology,  Quality and Medical Biotechnologies, Faculty of Sciences and Techniques - Mohammedia, Hassan II University of Casablanca
Classification: Uncertain significance for Prostate cancer, hereditary, 1. Review status: no assertion criteria provided. Collection method: clinical testing. Allele origin: somatic. Affected: yes. Not counted in ClinVar's aggregate classification.

NM_006361.6(HOXB13):c.597T>C (p.Phe199=)

Gene: HOXB13 (homeobox B13; minus strand). Cytogenetic location: 17q21.32.
Variant type: single nucleotide variant.
Coding change: c.597T>C on transcript NM_006361.6 (MANE Select); coding-DNA position 597, T replaced by C.
Protein change: p.Phe199=; no amino-acid change (phenylalanine 199 retained).
Molecular consequence: synonymous variant.
Genome position (GRCh38, 1-based): chr17:48,727,997, A>G on the plus strand (T>C on the coding strand, the complement: HOXB13 is on the minus strand). VCF-style: chr17-48727997-A-G. GRCh37 (hg19) VCF-style: chr17-46805359-A-G.
Identifiers: ClinVar variation 690894 (VCV000690894.3), dbSNP rs1597933698, ClinGen allele CA500660775.
Genomic context (GRCh38, chr17:48,727,997, plus strand): 5'-ATTGGGACCCACAACCCCAGGCTCAGAGACAAGGGGACCCAGGGTAATAGAGGTACCTGC[A>G]AATGCTGCCTTCCAAAAGGGACCTGGTGGGTTCTGTTCTCCCTGGCAACACATCTGGCTG-3'
Protein context (NP_006352.2, residues 189-209): NPPGPFWKAA[Phe199=]ADSSGQHPPD